The following is an entry in ClinVar:

ClinVar aggregate classification (germline): Benign. Review status: criteria provided, multiple submitters, no conflicts (2 of 4 stars). 5 submissions from 3 submitters: Benign (5). Last evaluated 2021-07-15.

Conditions:
Arthrogryposis multiplex congenita 3, myogenic type. Also called: ARTHROGRYPOSIS MULTIPLEX CONGENITA, MYOGENIC TYPE. Identifiers: MedGen C5193121, MONDO:0032778, OMIM 618484.
Emery-Dreifuss muscular dystrophy 4, autosomal dominant (EDMD4). Also called: EMERY-DREIFUSS MUSCULAR DYSTROPHY 4 WITH VARIABLE FEATURES. Identifiers: Orphanet 261, MedGen C2751807, MONDO:0013071, OMIM 612998.
Autosomal recessive ataxia, Beauce type. Also called: Spinocerebellar ataxia, autosomal recessive 8; ATAXIA, RECESSIVE, OF BEAUCE; SYNE1-Related Autosomal Recessive Cerebellar Ataxia; SYNE1 Deficiency. Identifiers: Orphanet 88644, MedGen C1853116, MONDO:0012549, OMIM 610743.

Allele frequency attached by ClinVar (database versions not stated): gnomAD exomes 0.43995 and 0.47218; ExAC 0.48411; gnomAD 0.51916 and 0.52150; ESP Exome Variant Server 0.52476; TOPMed 0.53044; 1000 Genomes Project 30x 0.59557; 1000 Genomes Project 0.59764.
gnomAD v4.1: 723,477 of 1,612,256 alleles (45%); highest among the groups gnomAD compares: East Asian, 79%; 169,975 homozygotes.

Submissions (5):

Genome-Nilou Lab
Classification: Benign for Arthrogryposis multiplex congenita 3, myogenic type. Last evaluated: 2021-07-15. Review status: criteria provided, single submitter. Criteria: ACMG Guidelines, 2015. Collection method: clinical testing. Allele origin: germline. Affected: no.

Genome-Nilou Lab
Classification: Benign for Emery-Dreifuss muscular dystrophy 4, autosomal dominant. Last evaluated: 2021-07-15. Review status: criteria provided, single submitter. Criteria: ACMG Guidelines, 2015. Collection method: clinical testing. Allele origin: germline. Affected: no.

Genome-Nilou Lab
Classification: Benign for Autosomal recessive ataxia, Beauce type. Last evaluated: 2021-07-15. Review status: criteria provided, single submitter. Criteria: ACMG Guidelines, 2015. Collection method: clinical testing. Allele origin: germline. Affected: no.

GeneDx
Classification: Benign. Last evaluated: 2018-06-14. Review status: criteria provided, single submitter. Criteria: GeneDx Variant Classification (06012015). Collection method: clinical testing. Allele origin: germline. Affected: yes.
Comment: This variant is considered likely benign or benign based on one or more of the following criteria: it is a conservative change, it occurs at a poorly conserved position in the protein, it is predicted to be benign by multiple in silico algorithms, and/or has population frequency not consistent with disease.

PreventionGenetics, part of Exact Sciences
Classification: Benign. Review status: criteria provided, single submitter. Criteria: ACMG Guidelines, 2015. Collection method: clinical testing. Allele origin: germline.

NM_182961.4(SYNE1):c.3505-39A>C

Gene: SYNE1 (spectrin repeat containing nuclear envelope protein 1; minus strand). Cytogenetic location: 6q25.2.
Variant type: single nucleotide variant.
Coding change: c.3505-39A>C on transcript NM_182961.4 (MANE Select); 39 bases into the intron before coding-DNA position 3505, A replaced by C.
Molecular consequence: intron variant.
Genome position (GRCh38, 1-based): chr6:152,447,661, T>G on the plus strand (A>C on the coding strand, the complement: SYNE1 is on the minus strand). VCF-style: chr6-152447661-T-G. GRCh37 (hg19) VCF-style: chr6-152768796-T-G.
Other names: c.3526-39A>C (NM_033071.5).
Identifiers: ClinVar variation 262196 (VCV000262196.4), dbSNP rs502268, ClinGen allele CA4058813.
Genomic context (GRCh38, chr6:152,447,661, plus strand): 5'-TGGTAACACCATTTCTGATCTCCTGAAATGAGAGAACACTTTTGATGAACACAGTGCAAT[T>G]GTGAAATCATAACTTTCCAGCAATAAAGGACTCAGCCTAAAAAGGTTTGCAGGTGGAGCA-3'